The following is an entry in ClinVar:

ClinVar aggregate classification (germline): Likely pathogenic (1 of 4 stars; one submission).

Conditions:
Sotos syndrome (SOTOS). Also called: CHROMOSOME 5q35 DELETION SYNDROME; SOTOS SYNDROME 1; CEREBRAL GIGANTISM; Sotos' syndrome; Distinctive facial appearance, overgrowth in childhood, and learning disabilities or delayed development. Identifiers: Orphanet 821, MedGen C0175695, MONDO:0019349, OMIM 117550.

Submission:

Laboratorio de Genetica e Diagnostico Molecular, Hospital Israelita Albert Einstein
Classification: Likely pathogenic for Sotos syndrome. Last evaluated: 2022-08-19. Review status: criteria provided, single submitter. Criteria: ACMG Guidelines, 2015. Collection method: clinical testing. Allele origin: germline. Affected: yes. Observed: 1 variant allele.
Comment: ACMG classification criteria: PVS1 very strong, PM2 moderated

NM_022455.5(NSD1):c.7540C>T (p.Gln2514Ter)

Gene: NSD1 (nuclear receptor binding SET domain protein 1; plus strand). Cytogenetic location: 5q35.3.
Variant type: single nucleotide variant.
Coding change: c.7540C>T on transcript NM_022455.5 (MANE Select); coding-DNA position 7540, C replaced by T.
Protein change: p.Gln2514Ter; replaces glutamine 2514 with a stop codon.
Molecular consequence: nonsense.
Genome position (GRCh38, 1-based): chr5:177,294,908, C>T. VCF-style: chr5-177294908-C-T. GRCh37 (hg19) VCF-style: chr5-176721909-C-T.
Other names: c.6667C>T, p.Gln2223Ter (NM_001365684.2, NM_001409308.1, NM_172349.5); c.7540C>T, p.Gln2514Ter (NM_001409301.1, NM_001409302.1, NM_001409303.1); c.7120C>T, p.Gln2374Ter (NM_001409304.1); c.6787C>T, p.Gln2263Ter (NM_001409305.1); c.6778C>T, p.Gln2260Ter (NM_001409306.1, NM_001409307.1); c.6418C>T, p.Gln2140Ter (NM_001409309.1); short protein forms Q2140*, Q2223*, Q2245*, Q2260*, Q2263*, Q2374*, Q2514*.
Identifiers: ClinVar variation 2431940 (VCV002431940.2), dbSNP rs2480837454, ClinGen allele CA362332904.